The following is an entry in ClinVar:

NM_017875.4(SLC25A38):c.161G>A (p.Arg54His)

Gene: SLC25A38 (solute carrier family 25 member 38; plus strand). Cytogenetic location: 3p22.1.
Variant type: single nucleotide variant.
Coding change: c.161G>A on transcript NM_017875.4 (MANE Select); coding-DNA position 161, G replaced by A.
Protein change: p.Arg54His; replaces arginine 54 with histidine.
Molecular consequence: missense variant.
Genome position (GRCh38, 1-based): chr3:39,389,586, G>A. VCF-style: chr3-39389586-G-A. GRCh37 (hg19) VCF-style: chr3-39431077-G-A.
Other names: c.161G>A, p.Arg54His (NM_001354798.2, LRG_1133t1); short protein forms R54H.
Identifiers: ClinVar variation 345144 (VCV000345144.12), dbSNP rs144319567, ClinGen allele CA2327363.

ClinVar aggregate classification (germline): Uncertain significance. Review status: criteria provided, multiple submitters, no conflicts (2 of 4 stars). 5 submissions from 5 submitters: Uncertain significance (5). Last evaluated 2025-07-30.

Conditions:
Sideroblastic anemia 2. Also called: Anemia, sideroblastic, 2, pyridoxine-refractory. Identifiers: Orphanet 260305, MedGen C4225425, MONDO:0008785, OMIM 205950.
Inborn genetic diseases. Identifiers: MedGen C0950123, MeSH D030342.

Allele frequency attached by ClinVar (database versions not stated): gnomAD 0.00032; TOPMed 0.00037; ESP Exome Variant Server 0.00069.
gnomAD v4.1: 1,049 of 1,613,932 alleles (0.065%); highest among the groups gnomAD compares: Non-Finnish European, 0.083%; no homozygotes.

Submissions (5):

GeneDx
Classification: Uncertain significance. Last evaluated: 2025-07-30. Review status: criteria provided, single submitter. Criteria: GeneDx Variant Classification Process June 2021. Collection method: clinical testing. Allele origin: germline. Affected: yes.
Comment: In silico analysis supports that this missense variant has a deleterious effect on protein structure/function; Heterozygous in a patient with sideroblastic anemia who also harbored a homozygous pathogenic variant in SLC25A38 (PMID: 34298585); This variant is associated with the following publications: (PMID: 31744909, 27899802, 28050010, 27460824, 28539123, 32579932, 28404951, 24448499, 34298585)

Blueprint Genetics
Classification: Uncertain significance. Last evaluated: 2024-08-05. Review status: criteria provided, single submitter. Criteria: ACMG Guidelines, 2015. Collection method: clinical testing. Allele origin: germline.

Labcorp Genetics (formerly Invitae), Labcorp
Classification: Uncertain significance. Last evaluated: 2022-07-13. Review status: criteria provided, single submitter. Criteria: Invitae Variant Classification Sherloc (09022015). Collection method: clinical testing. Allele origin: germline.
Comment: This sequence change replaces arginine, which is basic and polar, with histidine, which is basic and polar, at codon 54 of the SLC25A38 protein (p.Arg54His). This variant is present in population databases (rs144319567, gnomAD 0.08%), and has an allele count higher than expected for a pathogenic variant. This variant has not been reported in the literature in individuals affected with SLC25A38-related conditions. ClinVar contains an entry for this variant (Variation ID: 345144). Algorithms developed to predict the effect of missense changes on protein structure and function are either unavailable or do not agree on the potential impact of this missense change (SIFT: "Deleterious"; PolyPhen-2: "Probably Damaging"; Align-GVGD: "Class C0"). In summary, the available evidence is currently insufficient to determine the role of this variant in disease. Therefore, it has been classified as a Variant of Uncertain Significance.

Ambry Genetics
Classification: Uncertain significance for Inborn genetic diseases. Last evaluated: 2021-10-12. Review status: criteria provided, single submitter. Criteria: Ambry Variant Classification Scheme 2023. Collection method: clinical testing. Allele origin: germline.

Illumina Laboratory Services, Illumina
Classification: Uncertain significance for Sideroblastic anemia 2. Last evaluated: 2018-01-13. Review status: criteria provided, single submitter. Criteria: ICSL Variant Classification Criteria 13 December 2019. Collection method: clinical testing. Allele origin: germline.